The following is an entry in ClinVar:

NM_000059.4(BRCA2):c.6486_6489del (p.Lys2162fs)

Gene: BRCA2 (BRCA2 DNA repair associated; plus strand). Cytogenetic location: 13q13.1.
Variant type: Microsatellite.
Coding change: c.6486_6489del on transcript NM_000059.4 (MANE Select); coding-DNA positions 6486 to 6489, 4 bases deleted (ACAA; older notation c.6486_6489delACAA).
Protein change: p.Lys2162fs; shifts the reading frame from lysine 2162.
Molecular consequence: frameshift variant.
Genome position (GRCh38, 1-based): chr13:32,340,841-32,340,844, ACAA deleted; deleting any 4 consecutive bases within chr13:32,340,837-32,340,844 gives the same sequence; the c. name uses the placement nearest the transcript's 3' end. VCF-style (leftmost placement, unchanged base first): chr13-32340836-GACAA-G. GRCh37 (hg19) VCF-style: chr13-32914973-GACAA-G.
Other names: 6714_6717delACAA; 6714del4; c.6482_6485del (NM_000059.3); c.6486_6489delACAA (NM_000059.3); short protein forms K2162fs.
Identifiers: ClinVar variation 38048 (VCV000038048.126), dbSNP rs80359598, ClinGen allele CA024098.

ClinVar aggregate classification (germline): Pathogenic. Review status: reviewed by expert panel (3 of 4 stars). 43 submissions from 42 submitters: Pathogenic (1). 42 of the submissions do not count toward it. Last evaluated 2016-04-22.

Conditions:
Inherited ovarian cancer (without breast cancer).
BRCA2-related cancer predisposition. Identifiers: MedGen CN377758, MONDO:0700269.
BRCA2-related disorder. Also called: BRCA2-related condition; BRCA2-related disorders. Identifiers: MedGen CN239275.
Breast and/or ovarian cancer. Identifiers: MedGen CN221562.
Hereditary cancer-predisposing syndrome. Also called: Neoplastic Syndromes, Hereditary; Tumor predisposition; Hereditary Cancer Syndrome; Hereditary neoplastic syndrome. Identifiers: Orphanet 140162, MedGen C0027672, MeSH D009386, MONDO:0015356.
Hereditary breast ovarian cancer syndrome. Also called: Hereditary breast and ovarian cancer; Hereditary breast and ovarian cancer syndrome; Hereditary breast and ovarian cancer syndrome (HBOC); Hereditary breast and/or ovarian cancer syndrome; Breast and ovarian cancer; BRCA1- and BRCA2-Associated Hereditary Breast and Ovarian Cancer. Identifiers: Orphanet 145, MedGen C0677776, MeSH D061325, MONDO:0003582. Disease mechanism: loss of function.
Pancreatic cancer, susceptibility to, 2. Identifiers: Orphanet 1333, MedGen C3150546, MONDO:0013235, OMIM 613347.
Breast-ovarian cancer, familial, susceptibility to, 2 (BROVCA2). Also called: BRCA2 Hereditary Breast and Ovarian Cancer. Identifiers: Orphanet 145, MedGen C2675520, MONDO:0012933, OMIM 612555. Disease mechanism: loss of function.
Familial cancer of breast. Also called: Hereditary breast cancer; BREAST CANCER, FAMILIAL; hereditary breast carcinoma. Identifiers: Orphanet 227535, MedGen C0346153, MONDO:0016419, OMIM 114480. Disease mechanism: loss of function.
Breast carcinoma. Also called: Carcinoma of breast. Identifiers: MedGen C0678222, MONDO:0004989, HP:0003002.

Submissions 1 to 11 of 43:

Evidence-based Network for the Interpretation of Germline Mutant Alleles (ENIGMA)
Classification: Pathogenic for Breast-ovarian cancer, familial, susceptibility to, 2. Last evaluated: 2016-04-22. Review status: reviewed by expert panel. Criteria: ENIGMA BRCA1/2 Classification Criteria (2015). Collection method: curation. Allele origin: germline.
Comment: Variant allele predicted to encode a truncated non-functional protein.

Institute of Human Genetics, University of Leipzig Medical Center
Classification: Pathogenic for Familial cancer of breast. Last evaluated: 2026-08-31. Review status: criteria provided, single submitter. Criteria: ACMG Guidelines, 2015. Collection method: clinical testing. Allele origin: unknown. Inheritance: Autosomal dominant inheritance. Affected: yes. Not counted in ClinVar's aggregate classification.

Catlab - Consorci Sanitari de Terrassa
Classification: Pathogenic for Hereditary cancer-predisposing syndrome. Last evaluated: 2026-08-05. Review status: criteria provided, single submitter. Criteria: ClinGen BRCA1BRCA2 ACMG Specifications BRCA2 V1.2.0. Collection method: clinical testing. Allele origin: germline. Not counted in ClinVar's aggregate classification.
Comment: Based on the currently available information, this variant is classified as Pathogenic according to ClinGen-BRCA2 v1.2.0 guidelines. ACMG criteria: PVS1, PM5_PTC_strong, PP4_strong.

Labcorp Genetics (formerly Invitae), Labcorp
Classification: Pathogenic for Hereditary breast ovarian cancer syndrome. Last evaluated: 2026-01-31. Review status: criteria provided, single submitter. Criteria: Invitae Variant Classification Sherloc (09022015). Collection method: clinical testing. Allele origin: germline. Not counted in ClinVar's aggregate classification.
Comment: This sequence change creates a premature translational stop signal (p.Lys2162Asnfs*5) in the BRCA2 gene. It is expected to result in an absent or disrupted protein product. Loss-of-function variants in BRCA2 are known to be pathogenic (PMID: 20104584). This variant is present in population databases (rs770263702, gnomAD 0.004%). This premature translational stop signal has been observed in individual(s) with breast and ovarian cancer, male breast cancer, and prostate cancer (PMID: 19949876, 20736950, 23479189, 24145998, 24156927, 25586199, 25896959, 26026974, 26360800, 26681312). This variant is also known as 6710delACAA or 6714delACAA. ClinVar contains an entry for this variant (Variation ID: 38048). For these reasons, this variant has been classified as Pathogenic.

PreventionGenetics, part of Exact Sciences
Classification: Pathogenic for BRCA2-related condition. Last evaluated: 2026-01-09. Review status: criteria provided, single submitter. Criteria: ACMG Guidelines, 2015. Collection method: clinical testing. Allele origin: germline. Not counted in ClinVar's aggregate classification.
Comment: The BRCA2 c.6486_6489delACAA variant is predicted to result in a frameshift and premature protein termination (p.Lys2162Asnfs*5). This variant has been reported in patients with breast, ovarian, and prostate cancer (Edwards et al. 2003. PubMed ID: 12474142; Edwards et al. 2010. PubMed ID: 20736950; De Juan Jimenez et al. 2013. PubMed ID: 23479189; Labidi-Galy et al. 2018. PubMed ID: 29084914). This variant is reported in 0.0038% of alleles in individuals of South Asian descent in gnomAD. Frameshift variants in BRCA2 are expected to be pathogenic, and this variant has been classified as pathogenic by many submitters to ClinVar, including by a ClinGen Expert Panel (Variation ID: 38048). This variant is interpreted as pathogenic.

Center for Genomic Medicine, Rigshospitalet, Copenhagen University Hospital
Classification: Pathogenic. Last evaluated: 2025-12-29. Review status: criteria provided, single submitter. Criteria: ACMG Guidelines, 2015. Collection method: clinical testing. Allele origin: germline. Not counted in ClinVar's aggregate classification.

Genetics Laboratory, Great Ormond Street Hospital NHS Foundation Trust, North Thames Genomic Laboratory Hub
Classification: Pathogenic for Inherited ovarian cancer (without breast cancer). Last evaluated: 2025-11-19. Review status: criteria provided, single submitter. Criteria: CanVIG BRCA Gene Specific V1.22. Collection method: clinical testing. Allele origin: germline. Affected: yes. Not counted in ClinVar's aggregate classification.
Comment: PS4_very-strong, PM2_supporting, PVS1_very-strong, PM5_strong

Color Diagnostics, LLC DBA Color Health
Classification: Pathogenic for Hereditary cancer-predisposing syndrome. Last evaluated: 2025-09-17. Review status: criteria provided, single submitter. Criteria: ACMG Guidelines, 2015. Collection method: clinical testing. Allele origin: germline. Not counted in ClinVar's aggregate classification.
Comment: This variant deletes 4 nucleotides in exon 11 of the BRCA2 gene, creating a frameshift and premature translation stop signal. This variant is also known as 6714delACAA, 6714del4, 6710delACAA, 6710del4 and c.6482_6485delACAA in the literature. This variant is expected to result in an absent or non-functional protein product. This variant has been detected in over 20 individuals affected with breast and/or ovarian cancer (PMID: 10978364, 11389159, 18694767, 20104584, 23479189, 24145998, 25371446, 25452441, 25586199, 26026974, 26360800, 26681312, 29084914, 30702160, 32391871, 32862574, 32872764, 33471991, 34290354, 35864222, 36292577Leiden Open Variation Database DB-ID BRCA2_000162). This variant also has been reported in one individual each affected with pancreatic and prostate cancer (PMID: 10969800, 28291774). A multifactorial analysis has reached a combined likelihood ratio (LR) of 314.059 based on reported LR for co-occurrence with a pathogenic variant and/or segregation and personal and family history for 17 carriers (PMID: 31853058). This variant also has been reported in one individual each affected with pancreatic and prostate cancer (PMID: 10969800, 28291774). This variant has been identified in 2/232332 chromosomes in the general population by the Genome Aggregation Database (gnomAD). Loss of BRCA2 function is a known mechanism of disease. Based on the available evidence, this variant is classified as Pathogenic.

GeneKor MSA
Classification: Pathogenic for Hereditary breast ovarian cancer syndrome. Last evaluated: 2025-06-17. Review status: criteria provided, single submitter. Criteria: ACMG Guidelines, 2015. Collection method: clinical testing. Allele origin: germline. Affected: yes. Not counted in ClinVar's aggregate classification.
Comment: This variant is a deletion of 4 nucleotides in exon 11 of the BRCA2 mRNA, c.(6486_6489delACAA), causing a frameshift after codon 2162 and the creation of a premature translational stop signal 5 amino acid residues later p.(Lys2162Asnfs*5). This is expected to result in an absent or disrupted protein product. Truncating variants in the BRCA2 gene are known to be pathogenic (PMID:20104584). This variant is present in population databases (rs80359598). ClinVar contains entries for this variant where is listed as pathogenic (VCV000038048.114). Based on the classification criteria set by the ACMG and AMP (PMID:25741868), this variant has been classified as pathogenic.

Centre for Clinical Genetics and Genomic Diagnostics, Zealand University Hospital
Classification: Pathogenic. Last evaluated: 2025-04-07. Review status: criteria provided, single submitter. Criteria: ACMG Guidelines, 2015. Collection method: clinical testing. Allele origin: germline. Not counted in ClinVar's aggregate classification.

Revvity Omics, Revvity
Classification: Pathogenic. Last evaluated: 2025-03-06. Review status: criteria provided, single submitter. Criteria: ACMG Guidelines, 2015. Collection method: clinical testing. Allele origin: germline. Not counted in ClinVar's aggregate classification.